The following is an entry in ClinVar:

NM_001846.4(COL4A2):c.2624G>C (p.Gly875Ala)

Gene: COL4A2 (collagen type IV alpha 2 chain; plus strand). Cytogenetic location: 13q34.
Variant type: single nucleotide variant.
Coding change: c.2624G>C on transcript NM_001846.4 (MANE Select); coding-DNA position 2624, G replaced by C.
Protein change: p.Gly875Ala; replaces glycine 875 with alanine.
Molecular consequence: missense variant.
Genome position (GRCh38, 1-based): chr13:110,480,256, G>C. VCF-style: chr13-110480256-G-C. GRCh37 (hg19) VCF-style: chr13-111132603-G-C.
Other names: short protein forms G875A.
Identifiers: ClinVar variation 1513668 (VCV001513668.6), dbSNP rs2139522138, ClinGen allele CA388726503.

ClinVar aggregate classification (germline): Uncertain significance (1 of 4 stars; one submission).

Submission:

Labcorp Genetics (formerly Invitae), Labcorp
Classification: Uncertain significance. Last evaluated: 2021-04-17. Review status: criteria provided, single submitter. Criteria: Invitae Variant Classification Sherloc (09022015). Collection method: clinical testing. Allele origin: germline.
Comment: This sequence change replaces glycine with alanine at codon 875 of the COL4A2 protein (p.Gly875Ala). The glycine residue is highly conserved and there is a small physicochemical difference between glycine and alanine. This variant is not present in population databases (ExAC no frequency). This variant has not been reported in the literature in individuals with COL4A2-related conditions. Advanced modeling of protein sequence and biophysical properties (such as structural, functional, and spatial information, amino acid conservation, physicochemical variation, residue mobility, and thermodynamic stability) performed at Invitae indicates that this missense variant is expected to disrupt COL4A2 protein function. In summary, the available evidence is currently insufficient to determine the role of this variant in disease. Therefore, it has been classified as a Variant of Uncertain Significance.